The following is an entry in ClinVar:

NM_199420.4(POLQ):c.7760A>T (p.Asp2587Val)

Gene: POLQ (DNA polymerase theta; minus strand). Cytogenetic location: 3q13.33.
Variant type: single nucleotide variant.
Coding change: c.7760A>T on transcript NM_199420.4 (MANE Select); coding-DNA position 7760, A replaced by T.
Protein change: p.Asp2587Val; replaces aspartic acid 2587 with valine.
Molecular consequence: missense variant.
Genome position (GRCh38, 1-based): chr3:121,432,317, T>A on the plus strand (A>T on the coding strand, the complement: POLQ is on the minus strand). VCF-style: chr3-121432317-T-A. GRCh37 (hg19) VCF-style: chr3-121151164-T-A.
Other names: short protein forms D2587V.
Identifiers: ClinVar variation 3308638 (VCV003308638.1).

ClinVar aggregate classification (germline): Uncertain significance (1 of 4 stars; one submission).

Submission:

Ambry Genetics
Classification: Uncertain significance. Last evaluated: 2024-04-18. Review status: criteria provided, single submitter. Criteria: Ambry Variant Classification Scheme 2023. Collection method: clinical testing. Allele origin: germline.
Comment: The p.D2587V variant (also known as c.7760A>T), located in coding exon 30 of the POLQ gene, results from an A to T substitution at nucleotide position 7760. The aspartic acid at codon 2587 is replaced by valine, an amino acid with highly dissimilar properties. This amino acid position is conserved. In addition, the in silico prediction for this alteration is inconclusive. Based on the available evidence, the clinical significance of this variant remains unclear.